The following is an entry in ClinVar:

NM_000368.5(TSC1):c.988_989insGA (p.Leu330fs)

Gene: TSC1 (TSC complex subunit 1; minus strand). Cytogenetic location: 9q34.13.
Variant type: Insertion.
Coding change: c.988_989insGA on transcript NM_000368.5 (MANE Select); coding-DNA positions 988 to 989, GA inserted.
Protein change: p.Leu330fs; shifts the reading frame from leucine 330.
Molecular consequence: frameshift variant.
Genome position: GRCh38 VCF-style: chr9-132911493-A-ATC. GRCh37 (hg19) VCF-style: chr9-135786880-A-ATC.
Other names: c.988_989insGA, p.Leu330fs (NM_001162426.2); c.835_836insGA, p.Leu279fs (NM_001162427.2); c.625_626insGA, p.Leu209fs (NM_001362177.2); short protein forms L279fs, L209fs, L330fs.
Identifiers: ClinVar variation 567168 (VCV000567168.6), dbSNP rs1564488810, ClinGen allele CA891843445.

ClinVar aggregate classification (germline): Pathogenic (1 of 4 stars; one submission).

Conditions:
Tuberous sclerosis 1 (TSC1). Identifiers: Orphanet 805, MedGen C1854465, MONDO:0008612, OMIM 191100.

Submission:

Labcorp Genetics (formerly Invitae), Labcorp
Classification: Pathogenic for Tuberous sclerosis 1. Last evaluated: 2020-05-26. Review status: criteria provided, single submitter. Criteria: Invitae Variant Classification Sherloc (09022015). Collection method: clinical testing. Allele origin: germline.
Comment: This sequence change creates a premature translational stop signal (p.Leu330Argfs*2) in the TSC1 gene. It is expected to result in an absent or disrupted protein product. This variant is not present in population databases (ExAC no frequency). This variant has not been reported in the literature in individuals with TSC1-related conditions. ClinVar contains an entry for this variant (Variation ID: 567168). Loss-of-function variants in TSC1 are known to be pathogenic (PMID: 10227394, 17304050). For these reasons, this variant has been classified as Pathogenic.

Literature cited by the submitters: PubMed 10227394; PubMed 17304050.